The following is an entry in ClinVar:

ClinVar aggregate classification (germline): Uncertain significance (1 of 4 stars; one submission).

Conditions:
Hereditary diffuse gastric adenocarcinoma (HDGC). Also called: DIFFUSE GASTRIC AND LOBULAR BREAST CANCER SYNDROME. Identifiers: Orphanet 26106, MedGen C1708349, MONDO:0007648, OMIM 137215.

Submission:

Labcorp Genetics (formerly Invitae), Labcorp
Classification: Uncertain significance for Hereditary diffuse gastric adenocarcinoma. Last evaluated: 2020-05-04. Review status: criteria provided, single submitter. Criteria: Invitae Variant Classification Sherloc (09022015). Collection method: clinical testing. Allele origin: germline.
Comment: In summary, the available evidence is currently insufficient to determine the role of this variant in disease. Therefore, it has been classified as a Variant of Uncertain Significance. Algorithms developed to predict the effect of sequence changes on RNA splicing suggest that this variant may create or strengthen a splice site, but this prediction has not been confirmed by published transcriptional studies. Algorithms developed to predict the effect of missense changes on protein structure and function are either unavailable or do not agree on the potential impact of this missense change (SIFT: "Tolerated"; PolyPhen-2: "Probably Damaging"; Align-GVGD: "Class C0"). This variant has not been reported in the literature in individuals with CDH1-related conditions. This variant is not present in population databases (ExAC no frequency). This sequence change replaces asparagine with lysine at codon 622 of the CDH1 protein (p.Asn622Lys). The asparagine residue is highly conserved and there is a moderate physicochemical difference between asparagine and lysine.

NM_004360.5(CDH1):c.1866T>G (p.Asn622Lys)

Gene: CDH1 (cadherin 1; plus strand). Cytogenetic location: 16q22.1.
Variant type: single nucleotide variant.
Coding change: c.1866T>G on transcript NM_004360.5 (MANE Select); coding-DNA position 1866, T replaced by G.
Protein change: p.Asn622Lys; replaces asparagine 622 with lysine.
Molecular consequence: missense variant. On other transcripts: 5 prime UTR variant (1).
Genome position (GRCh38, 1-based): chr16:68,822,155, T>G. VCF-style: chr16-68822155-T-G. GRCh37 (hg19) VCF-style: chr16-68856058-T-G.
Other names: c.1683T>G, p.Asn561Lys (NM_001317184.2); c.318T>G, p.Asn106Lys (NM_001317185.2); c.-100T>G (NM_001317186.2); short protein forms N106K, N561K, N622K.
Identifiers: ClinVar variation 1026800 (VCV001026800.9), dbSNP rs786201678, ClinGen allele CA396467061.